The following is an entry in ClinVar:

NM_000059.4(BRCA2):c.2297C>G (p.Ala766Gly)

Gene: BRCA2 (BRCA2 DNA repair associated; plus strand). Cytogenetic location: 13q13.1.
Variant type: single nucleotide variant.
Coding change: c.2297C>G on transcript NM_000059.4 (MANE Select); coding-DNA position 2297, C replaced by G.
Protein change: p.Ala766Gly; replaces alanine 766 with glycine.
Molecular consequence: missense variant. On other transcripts: non-coding transcript variant (1), intron variant (2).
Genome position (GRCh38, 1-based): chr13:32,336,652, C>G. VCF-style: chr13-32336652-C-G. GRCh37 (hg19) VCF-style: chr13-32910789-C-G.
Other names: c.1909+3265C>G (NM_001406721.1); c.424+5622C>G (NM_001406722.1); c.2297C>G, p.Ala766Gly (NM_001406719.1, NM_001406720.1, NM_001432077.1); short protein forms A766G.
Identifiers: ClinVar variation 4867806 (VCV004867806.1).
Genomic context (GRCh38, chr13:32,336,652, plus strand): 5'-TGGAATACAGTGATACTGACTTTCAATCCCAGAAAAGTCTTTTATATGATCATGAAAATG[C>G]CAGCACTCTTATTTTAACTCCTACTTCCAAGGATGTTCTGTCAAACCTAGTCATGATTTC-3'
Protein context (NP_000050.3, residues 756-776): QKSLLYDHEN[Ala766Gly]STLILTPTSK

ClinVar aggregate classification (germline): Uncertain significance (1 of 4 stars; one submission).

Conditions:
Hereditary cancer-predisposing syndrome. Also called: Neoplastic Syndromes, Hereditary; Tumor predisposition; Hereditary Cancer Syndrome; Hereditary neoplastic syndrome. Identifiers: Orphanet 140162, MedGen C0027672, MeSH D009386, MONDO:0015356.

Submission:

Ambry Genetics
Classification: Uncertain significance for Hereditary cancer-predisposing syndrome. Last evaluated: 2026-04-02. Review status: criteria provided, single submitter. Criteria: Ambry Variant Classification Scheme 2023. Collection method: clinical testing. Allele origin: germline.
Comment: The p.A766G variant (also known as c.2297C>G), located in coding exon 10 of the BRCA2 gene, results from a C to G substitution at nucleotide position 2297. The alanine at codon 766 is replaced by glycine, an amino acid with similar properties. This amino acid position is conserved. In addition, this alteration is predicted to be tolerated by in silico analysis. Based on the available evidence, the clinical significance of this variant remains unclear.